The following is an entry in ClinVar:

NM_000037.4(ANK1):c.190del (p.Leu64fs)

Gene: ANK1 (ankyrin 1; minus strand). Cytogenetic location: 8p11.21.
Variant type: Deletion.
Coding change: c.190del on transcript NM_000037.4 (MANE Select); coding-DNA position 190, one base deleted (C; older notation c.190delC).
Protein change: p.Leu64fs; shifts the reading frame from leucine 64.
Molecular consequence: frameshift variant.
Genome position (GRCh38, 1-based): chr8:41,734,009, G deleted on the plus strand (C on the coding strand, the reverse complement: ANK1 is on the minus strand). VCF-style (leftmost placement, unchanged base first): chr8-41734008-AG-A. GRCh37 (hg19) VCF-style: chr8-41591526-AG-A.
Other names: c.289del, p.Leu97fs (NM_001142446.2); c.190del, p.Leu64fs (NM_020475.3, NM_020476.3, NM_020477.3); short protein forms L64fs, L97fs.
Identifiers: ClinVar variation 4685930 (VCV004685930.1).

ClinVar aggregate classification (germline): Likely pathogenic (1 of 4 stars; one submission).

Conditions:
Hereditary spherocytosis type 1. Also called: Spherocytosis type 1; ANK1-Related Spherocytosis. Identifiers: Orphanet 822, MedGen C2674218, MONDO:0008447, OMIM 182900.

Submission:

ARUP Laboratories, Molecular Genetics and Genomics, ARUP Laboratories
Classification: Likely pathogenic for Hereditary spherocytosis type 1. Last evaluated: 2025-06-30. Review status: criteria provided, single submitter. Criteria: ARUP Molecular Germline Variant Investigation Process 2024. Collection method: clinical testing. Allele origin: germline.
Comment: The ANK1 c.190del; p.Leu64PhefsTer8 variant, to our knowledge, is not reported in the medical literature or gene specific databases. This variant is also absent from the Genome Aggregation Database (v2.1.1), indicating it is not a common polymorphism. This variant causes a frameshift by deleting a single nucleotide, so it is predicted to result in a truncated protein or mRNA subject to nonsense-mediated decay. Based on available information, this variant is considered to be likely pathogenic.